The following is an entry in ClinVar:

NM_001267550.2(TTN):c.23035T>G (p.Tyr7679Asp)

Gene: TTN (titin; minus strand). Cytogenetic location: 2q31.2.
Variant type: single nucleotide variant.
Coding change: c.23035T>G on transcript NM_001267550.2 (MANE Select); coding-DNA position 23035, T replaced by G.
Protein change: p.Tyr7679Asp; replaces tyrosine 7679 with aspartic acid.
Molecular consequence: missense variant. On other transcripts: intron variant (3).
Genome position (GRCh38, 1-based): chr2:178,720,984, A>C on the plus strand (T>G on the coding strand, the complement: TTN is on the minus strand). VCF-style: chr2-178720984-A-C. GRCh37 (hg19) VCF-style: chr2-179585711-A-C.
Other names: c.22084T>G, p.Tyr7362Asp (NM_001256850.1); c.19303T>G, p.Tyr6435Asp (NM_133378.4); c.13282+17098T>G (NM_003319.4); c.13858+17098T>G (NM_133437.4); c.13657+17098T>G (NM_133432.3); short protein forms Y6435D, Y7679D, Y7362D.
Identifiers: ClinVar variation 4795239 (VCV004795239.1).

ClinVar aggregate classification (germline): VUS-high (1 of 4 stars; one submission).

Conditions:
Autosomal recessive titinopathy. Identifiers: MedGen CN315649, MONDO:0100493.

Submission:

Myofin, Folkhalsan Research Center
Classification: VUS-high for Autosomal recessive titinopathy. Last evaluated: 2026-02-06. Review status: criteria provided, single submitter. Criteria: ACMG Guidelines, 2015. Collection method: research. Allele origin: germline. Affected: yes.
Comment: The variant is rare in population databases (not found in gnomAD; no homozygotes reported) and has a high deleterious computational prediction (AlphaMissense 0.9960). Given limited case-level evidence and lack of robust variant-level functional/replication data, we classify this variant as Uncertain significance (VUS-high) for recessive titinopathy.

Literature cited by the submitters: DOI 10.1101/2025.07.17.25331113.